The following is an entry in ClinVar:

NM_014727.3(KMT2B):c.7297+7G>C

Gene: KMT2B (lysine methyltransferase 2B; plus strand). Cytogenetic location: 19q13.12.
Variant type: single nucleotide variant.
Coding change: c.7297+7G>C on transcript NM_014727.3 (MANE Select); 7 bases into the intron after coding-DNA position 7297, G replaced by C.
Molecular consequence: intron variant.
Genome position (GRCh38, 1-based): chr19:35,736,834, G>C. VCF-style: chr19-35736834-G-C. GRCh37 (hg19) VCF-style: chr19-36227735-G-C.
Identifiers: ClinVar variation 1013156 (VCV001013156.45), dbSNP rs201555369, ClinGen allele CA9385910.

ClinVar aggregate classification (germline): Likely benign. Review status: criteria provided, multiple submitters, no conflicts (2 of 4 stars). 3 submissions from 3 submitters: Likely benign (3). Last evaluated 2026-01-24.

Allele frequency attached by ClinVar (database versions not stated): 1000 Genomes Project 30x 0.00016; 1000 Genomes Project 0.00020; TOPMed 0.00030; ESP Exome Variant Server 0.00047.
gnomAD v4.1: 1,040 of 1,613,906 alleles (0.064%); highest among the groups gnomAD compares: Non-Finnish European, 0.085%; 1 homozygote.

Submissions (3):

Labcorp Genetics (formerly Invitae), Labcorp
Classification: Likely benign. Last evaluated: 2026-01-24. Review status: criteria provided, single submitter. Criteria: Invitae Variant Classification Sherloc (09022015). Collection method: clinical testing. Allele origin: germline.

CeGaT Center for Human Genetics Tuebingen
Classification: Likely benign. Last evaluated: 2026-01-01. Review status: criteria provided, single submitter. Criteria: CeGaT Center For Human Genetics Tuebingen Variant Classification Criteria Version 2. Collection method: clinical testing. Allele origin: germline. Affected: yes. Observed: 11 variant alleles.
Comment: KMT2B: BP4

Blueprint Genetics
Classification: Likely benign. Last evaluated: 2024-11-21. Review status: criteria provided, single submitter. Criteria: ACMG Guidelines, 2015. Collection method: clinical testing. Allele origin: germline.